The following is an entry in ClinVar:

ClinVar aggregate classification (germline): Uncertain significance. Review status: criteria provided, multiple submitters, no conflicts (2 of 4 stars). 2 submissions from 2 submitters: Uncertain significance (2). Last evaluated 2025-09-27.

Conditions:
Inborn genetic diseases. Identifiers: MedGen C0950123, MeSH D030342.

gnomAD v4.1: 42 of 1,614,046 alleles (0.0026%); highest among the groups gnomAD compares: Non-Finnish European, 0.0035%; no homozygotes.

Submissions (2):

Ambry Genetics
Classification: Uncertain significance for Inborn genetic diseases. Last evaluated: 2025-09-27. Review status: criteria provided, single submitter. Criteria: Ambry Variant Classification Scheme 2023. Collection method: clinical testing. Allele origin: germline.

Labcorp Genetics (formerly Invitae), Labcorp
Classification: Uncertain significance. Last evaluated: 2024-03-04. Review status: criteria provided, single submitter. Criteria: Invitae Variant Classification Sherloc (09022015). Collection method: clinical testing. Allele origin: germline.
Comment: This sequence change replaces leucine, which is neutral and non-polar, with phenylalanine, which is neutral and non-polar, at codon 3478 of the FAT4 protein (p.Leu3478Phe). This variant is present in population databases (no rsID available, gnomAD 0.0009%). This variant has not been reported in the literature in individuals affected with FAT4-related conditions. Advanced modeling of protein sequence and biophysical properties (such as structural, functional, and spatial information, amino acid conservation, physicochemical variation, residue mobility, and thermodynamic stability) performed at Invitae indicates that this missense variant is expected to disrupt FAT4 protein function with a positive predictive value of 80%. In summary, the available evidence is currently insufficient to determine the role of this variant in disease. Therefore, it has been classified as a Variant of Uncertain Significance.

NM_001291303.3(FAT4):c.10438C>T (p.Leu3480Phe)

Gene: FAT4 (FAT atypical cadherin 4; plus strand). Cytogenetic location: 4q28.1.
Variant type: single nucleotide variant.
Coding change: c.10438C>T on transcript NM_001291303.3 (MANE Select); coding-DNA position 10438, C replaced by T.
Protein change: p.Leu3480Phe; replaces leucine 3480 with phenylalanine.
Molecular consequence: missense variant.
Genome position (GRCh38, 1-based): chr4:125,451,448, C>T. VCF-style: chr4-125451448-C-T. GRCh37 (hg19) VCF-style: chr4-126372603-C-T.
Other names: c.10438C>T, p.Leu3480Phe (NM_001291285.3); c.10432C>T, p.Leu3478Phe (NM_024582.6); c.10432C>T (NM_024582.4); short protein forms L3478F, L3480F.
Identifiers: ClinVar variation 3716332 (VCV003716332.2).
Genomic context (GRCh38, chr4:125,451,448, plus strand): 5'-CAGACAGGACAGATCACCGTTACTGCAGAATTAGATCGAGAAACCCTTCCCATCTATAAT[C>T]TCTCAGTTTTGGCTGTTGATTCAGGGACCCCCTCAGCTACAGGTAGTGCCTCTTTATTAG-3'
Protein context (NP_001278232.1, residues 3470-3490): LDRETLPIYN[Leu3480Phe]SVLAVDSGTP